The following is an entry in ClinVar:

ClinVar aggregate classification (germline): Uncertain significance (1 of 4 stars; one submission).

Conditions:
Norman-Roberts syndrome (LIS2). Also called: Lissencephaly 2 (Norman-Roberts type). Identifiers: Orphanet 89844, MedGen C0796089, MONDO:0009760, OMIM 257320.
Familial temporal lobe epilepsy 7. Identifiers: Orphanet 101046, MedGen C4225327, MONDO:0014639, OMIM 616436.

Allele frequency attached by ClinVar (database versions not stated): gnomAD 0.00001.
gnomAD v4.1: 3 of 1,613,968 alleles (0.00019%); highest among the groups gnomAD compares: Non-Finnish European, 0.00025%; no homozygotes.

Submission:

Labcorp Genetics (formerly Invitae), Labcorp
Classification: Uncertain significance for Familial temporal lobe epilepsy 7; Norman-Roberts syndrome. Last evaluated: 2025-04-22. Review status: criteria provided, single submitter. Criteria: Invitae Variant Classification Sherloc (09022015). Collection method: clinical testing. Allele origin: germline.
Comment: This sequence change replaces valine, which is neutral and non-polar, with leucine, which is neutral and non-polar, at codon 1398 of the RELN protein (p.Val1398Leu). This variant is present in population databases (rs747794685, gnomAD 0.0009%). This variant has not been reported in the literature in individuals affected with RELN-related conditions. ClinVar contains an entry for this variant (Variation ID: 2938603). Invitae Evidence Modeling of protein sequence and biophysical properties (such as structural, functional, and spatial information, amino acid conservation, physicochemical variation, residue mobility, and thermodynamic stability) indicates that this missense variant is not expected to disrupt RELN protein function with a negative predictive value of 80%. In summary, the available evidence is currently insufficient to determine the role of this variant in disease. Therefore, it has been classified as a Variant of Uncertain Significance.

NM_005045.4(RELN):c.4192G>T (p.Val1398Leu)

Gene: RELN (reelin; minus strand). Cytogenetic location: 7q22.1.
Variant type: single nucleotide variant.
Coding change: c.4192G>T on transcript NM_005045.4 (MANE Select); coding-DNA position 4192, G replaced by T.
Protein change: p.Val1398Leu; replaces valine 1398 with leucine.
Molecular consequence: missense variant.
Genome position (GRCh38, 1-based): chr7:103,575,659, C>A on the plus strand (G>T on the coding strand, the complement: RELN is on the minus strand). VCF-style: chr7-103575659-C-A. GRCh37 (hg19) VCF-style: chr7-103216106-C-A.
Other names: c.4192G>T, p.Val1398Leu (NM_173054.3); short protein forms V1398L.
Identifiers: ClinVar variation 2938603 (VCV002938603.3), dbSNP rs747794685, ClinGen allele CA4421573.